The following is an entry in ClinVar:

NM_002693.3(POLG):c.2141G>C (p.Gly714Ala)

Gene: POLG (DNA polymerase gamma, catalytic subunit; minus strand). Cytogenetic location: 15q26.1.
Variant type: single nucleotide variant.
Coding change: c.2141G>C on transcript NM_002693.3 (MANE Select); coding-DNA position 2141, G replaced by C.
Protein change: p.Gly714Ala; replaces glycine 714 with alanine.
Molecular consequence: missense variant.
Genome position (GRCh38, 1-based): chr15:89,323,831, C>G on the plus strand (G>C on the coding strand, the complement: POLG is on the minus strand). VCF-style: chr15-89323831-C-G. GRCh37 (hg19) VCF-style: chr15-89867062-C-G.
Other names: c.2141G>C, p.Gly714Ala (NM_001126131.2); short protein forms G714A.
Identifiers: ClinVar variation 1372614 (VCV001372614.8), dbSNP rs2152063163, ClinGen allele CA393757062.
Genomic context (GRCh38, chr15:89,323,831, plus strand): 5'-CACCCAGCACCCACCTAGAGAACCCAAGCCGGCGCACTGCTCACCAGAGCTAGGGGTTGA[C>G]CTGGCACTGCAGCTCGCAAGTTCTCCATCTTGGCCTCAGCCTCCACTTCTAAGTAATCCA-3'
Protein context (NP_002684.1, residues 704-724): KMENLRAAVP[Gly714Ala]QPLALTARGG

ClinVar aggregate classification (germline): Uncertain significance (1 of 4 stars; one submission).

Conditions:
Progressive sclerosing poliodystrophy (MTDPS4A). Also called: Mitochondrial DNA depletion syndrome 4A (Alpers type); ALPERS PROGRESSIVE INFANTILE POLIODYSTROPHY; NEURONAL DEGENERATION OF CHILDHOOD WITH LIVER DISEASE, PROGRESSIVE; Mitochondrial DNA Depletion Syndrome 4A; Alpers-Huttenlocher Syndrome (AHS); Alpers Syndrome. Identifiers: Orphanet 726, MedGen C0205710, MONDO:0008758, OMIM 203700.

Submission:

Labcorp Genetics (formerly Invitae), Labcorp
Classification: Uncertain significance for Progressive sclerosing poliodystrophy. Last evaluated: 2021-04-23. Review status: criteria provided, single submitter. Criteria: Invitae Variant Classification Sherloc (09022015). Collection method: clinical testing. Allele origin: germline.
Comment: Algorithms developed to predict the effect of missense changes on protein structure and function output the following: SIFT: "Tolerated"; PolyPhen-2: "Benign"; Align-GVGD: "Class C0". The alanine amino acid residue is found in multiple mammalian species, suggesting that this missense change does not adversely affect protein function. These predictions have not been confirmed by published functional studies and their clinical significance is uncertain. In summary, the available evidence is currently insufficient to determine the role of this variant in disease. Therefore, it has been classified as a Variant of Uncertain Significance. This variant has not been reported in the literature in individuals with POLG-related conditions. This variant is not present in population databases (ExAC no frequency). This sequence change replaces glycine with alanine at codon 714 of the POLG protein (p.Gly714Ala). The glycine residue is weakly conserved and there is a small physicochemical difference between glycine and alanine.